The following is an entry in ClinVar:

ClinVar aggregate classification (germline): Uncertain significance (1 of 4 stars; one submission).

gnomAD v4.1: 2 of 1,568,938 alleles (0.00013%); highest among the groups gnomAD compares: African/African-American, 0.0014%; no homozygotes.

Submission:

Ambry Genetics
Classification: Uncertain significance. Last evaluated: 2024-12-14. Review status: criteria provided, single submitter. Criteria: Ambry Variant Classification Scheme 2023. Collection method: clinical testing. Allele origin: germline.
Comment: The p.A643S variant (also known as c.1927G>T), located in coding exon 8 of the WNK2 gene, results from a G to T substitution at nucleotide position 1927. The alanine at codon 643 is replaced by serine, an amino acid with similar properties. This amino acid position is conserved. In addition, this alteration is predicted to be tolerated by in silico analysis. Based on the available evidence, the clinical significance of this variant remains unclear.

NM_006648.4(WNK2):c.1927G>T (p.Ala643Ser)

Gene: WNK2 (WNK lysine deficient protein kinase 2; plus strand). Cytogenetic location: 9q22.31.
Variant type: single nucleotide variant.
Coding change: c.1927G>T on transcript NM_006648.4 (MANE Select); coding-DNA position 1927, G replaced by T.
Protein change: p.Ala643Ser; replaces alanine 643 with serine.
Molecular consequence: missense variant.
Genome position (GRCh38, 1-based): chr9:93,252,975, G>T. VCF-style: chr9-93252975-G-T. GRCh37 (hg19) VCF-style: chr9-96015257-G-T.
Other names: c.1927G>T, p.Ala643Ser (NM_001282394.3); short protein forms A643S.
Identifiers: ClinVar variation 3816472 (VCV003816472.1).